The following is an entry in ClinVar:

ClinVar aggregate classification (germline): Pathogenic/Likely pathogenic. Review status: criteria provided, multiple submitters, no conflicts (2 of 4 stars). 11 submissions from 11 submitters: Pathogenic (9); Likely pathogenic (2). Last evaluated 2026-01-26.

Conditions:
Hereditary cancer-predisposing syndrome. Also called: Neoplastic Syndromes, Hereditary; Tumor predisposition; Hereditary Cancer Syndrome; Hereditary neoplastic syndrome. Identifiers: Orphanet 140162, MedGen C0027672, MeSH D009386, MONDO:0015356.
Multiple endocrine neoplasia, type 2 (MEN2). Identifiers: Orphanet 653, MedGen C4048306, MONDO:0019003. Disease mechanism: gain of function.
MEN2 phenotype: Unclassified. Identifiers: MedGen CN311636.
Multiple endocrine neoplasia type 2A. Also called: MULTIPLE ENDOCRINE NEOPLASIA, TYPE IIA; PTC SYNDROME; SIPPLE SYNDROME; MEN 2A; MEN-2A syndrome; Pheochromocytoma and amyloid producing medullary thyroid carcinoma. Identifiers: Orphanet 247698, Orphanet 653, MedGen C0025268, MeSH D018813, MONDO:0008234, OMIM 171400.

gnomAD v4.1: 3 of 1,605,622 alleles (0.00019%); highest among the groups gnomAD compares: Non-Finnish European, 0.00025%; no homozygotes.

Submissions 1 to 6 of 11:

Labcorp Genetics (formerly Invitae), Labcorp
Classification: Pathogenic for Multiple endocrine neoplasia, type 2. Last evaluated: 2026-01-26. Review status: criteria provided, single submitter. Criteria: Invitae Variant Classification Sherloc (09022015). Collection method: clinical testing. Allele origin: germline.
Comment: This sequence change replaces valine, which is neutral and non-polar, with leucine, which is neutral and non-polar, at codon 804 of the RET protein (p.Val804Leu). This variant is not present in population databases (gnomAD no frequency). This missense change has been observed in individual(s) with multiple endocrine neoplasia type 2 (PMID: 7784092, 10235148, 14718397, 15741265, 16343097, 18058472, 26269449). ClinVar contains an entry for this variant (Variation ID: 38613). An algorithm developed to predict the effect of missense changes on protein structure and function (PolyPhen-2) suggests that this variant is likely to be disruptive. This variant disrupts the p.Val804 amino acid residue in RET. Other variant(s) that disrupt this residue have been determined to be pathogenic (PMID: 7784092, 10235148, 15741265, 16343097, 18058472, 26269449). This suggests that this residue is clinically significant, and that variants that disrupt this residue are likely to be disease-causing. For these reasons, this variant has been classified as Pathogenic.

Color Diagnostics, LLC DBA Color Health
Classification: Likely pathogenic for Multiple endocrine neoplasia, type 2. Last evaluated: 2025-06-04. Review status: criteria provided, single submitter. Criteria: ACMG Guidelines, 2015. Collection method: clinical testing. Allele origin: germline.
Comment: This missense variant replaces valine with leucine at codon 804 of the RET protein. Computational prediction suggests that this variant may have deleterious impact on protein structure and function. Functional studies have reported that this variant resulted in intermediate level of transforming activity on ex vivo transfected cells (PMID: 9242375, 10445857) and to confer resistance to select kinase inhibitors (PMID: 26046350). This variant has been reported in three individuals affected with endocrine neoplasias and two related individuals affected with medullary thyroid cancer (PMID: 11114642, 28946813). Different variants occurring at the same codon, c.2410G>A (p.Val804Met) and c.2410G>T (p.Val804Leu), are well-documented pathogenic mutations (ClinVar variation ID: 37102, 13946), indicating that valine at this position is important for RET protein function. This variant has not been identified in the general population by the Genome Aggregation Database (gnomAD). Based on the available evidence, this variant is classified as Likely Pathogenic.

Quest Diagnostics Nichols Institute San Juan Capistrano
Classification: Pathogenic. Last evaluated: 2025-04-18. Review status: criteria provided, single submitter. Criteria: Quest Diagnostics criteria. Collection method: clinical testing. Allele origin: unknown.
Comment: The RET c.2410G>C (p.Val804Leu) variant has been reported in the published literature, as well as a similar deleterious variant (c.2410G>T) that produces the same amino acid change, in individuals and families affected with MEN 2A syndrome (PMID: 11932300 (2002), 30763276 (2019), 34687025 (2021), 39842635 (2025)). This variant has not been reported in large, multi-ethnic general populations (Genome Aggregation Database). Based on the available information, this variant is classified as pathogenic.

Molecular Pathology, Peter Maccallum Cancer Centre
Classification: Pathogenic for Multiple endocrine neoplasia, type 2. Last evaluated: 2025-03-04. Review status: criteria provided, single submitter. Criteria: ACMG Guidelines, 2015. Collection method: clinical testing. Allele origin: germline. Inheritance: Autosomal dominant inheritance.

Molecular Diagnostics Laboratory, Catalan Institute of Oncology
Classification: Pathogenic for Hereditary cancer-predisposing syndrome. Last evaluated: 2024-11-10. Review status: criteria provided, single submitter. Criteria: ACMG Guidelines, 2015. Collection method: clinical testing. Allele origin: germline.
Comment: PS3_Supporting, PM2_Supporting, PP3, PP4, PP1_Strong, PM5 c.2410G>C, located in exon 14 of the RET gene, is predicted to result in the substitution of valine by leucine at codon 804, p.(Val804Leu).This variant is not present in the gnomAD v2.1.1 database (non-cancer data set)(PM2_Supporting). The SpliceAI algorithm predicts no significant impact on splicing and the REVEL meta-predictor score for this variant (0.716) suggests a deleterious effect on protein function according to Pejaver 2022 thresholds (PMID: 36413997)(PP3). Functional assays have demonstrated that RET Val804Leu induces autophosphorylation of tyrosine residues and transformation activity in fibroblasts, although with a transforming capacity lower than high risk variants C634R and M918T (PMID: 9242375, PMID:10445857)(PS3_Supporting). This variant has been published several times in association with familial medullary thyroid cancer (FMTC) and multiple endocrine neoplasia type 2 (MEN2A), and co-segregates with disease in multiple affected individuals (PMID: 10235148, 16343097, 15741265, 18058472 and internal data)(PP1_strong and PP4). In addition, there is another missense variant in the same codon (c.2410G>A, p.Val804Met) classified as pathogenic with the same BLOSUM62 matrix score as the present variant (PM5). This variant has been reported in the ClinVar database (6x likely pathogenic, 6x pathogenic) and in LOVD (1x PAT). Based on currently available information, c.2410G>C is classified as a pathogenic variant according to ACMG guidelines and conferring a moderate risk of medullary thyroid carcinoma in the American Thyroid Association guidelines for the management of medullary thyroid carcinoma (PMID: 25810047).

All of Us Research Program, National Institutes of Health
Classification: Likely pathogenic for Multiple endocrine neoplasia, type 2. Last evaluated: 2024-07-29. Review status: criteria provided, single submitter. Criteria: ACMG Guidelines, 2015. Collection method: clinical testing. Allele origin: germline. Inheritance: Autosomal dominant inheritance. Observed: 2 variant alleles, 2 heterozygotes.
Comment: This missense variant replaces valine with leucine at codon 804 of the RET protein. Computational prediction suggests that this variant may have deleterious impact on protein structure and function (internally defined REVEL score threshold >= 0.7, PMID: 27666373). Functional studies have reported that this variant resulted in intermediate level of transforming activity on ex vivo transfected cells (PMID: 9242375, 10445857) and to confer resistance to select kinase inhibitors (PMID: 26046350). This variant has been reported in three individuals affected with endocrine neoplasias and two related individuals affected with medullary thyroid cancer (PMID: 11114642, 28946813). Different variants occurring at the same codon, c.2410G>A (p.Val804Met) and c.2410G>T (p.Val804Leu), are well-documented pathogenic mutations (ClinVar variation ID: 37102, 13946), indicating that valine at this position is important for RET protein function. This variant has not been identified in the general population by the Genome Aggregation Database (gnomAD). Based on the available evidence, this variant is classified as Likely Pathogenic.

This study involves interpretation of variants in research participants for the purpose of population health screening. Participant phenotype was not available at the time of variant classification. Additional details can be found in publication PMID: 35346344, PMCID: PMC8962531

NM_020975.6(RET):c.2410G>C (p.Val804Leu)

Gene: RET (ret proto-oncogene; plus strand). Cytogenetic location: 10q11.21.
Variant type: single nucleotide variant.
Coding change: c.2410G>C on transcript NM_020975.6 (MANE Select); coding-DNA position 2410, G replaced by C.
Protein change: p.Val804Leu; replaces valine 804 with leucine.
Molecular consequence: missense variant.
Genome position (GRCh38, 1-based): chr10:43,119,548, G>C. VCF-style: chr10-43119548-G-C. GRCh37 (hg19) VCF-style: chr10-43614996-G-C.
Other names: c.2410G>C, p.Val804Leu (NM_000323.2, NM_001406743.1, NM_001406744.1 and 4 more transcripts); c.1648G>C, p.Val550Leu (NM_001355216.2); c.2281G>C, p.Val761Leu (NM_001406761.1, NM_001406762.1, NM_001406764.1); c.2275G>C, p.Val759Leu (NM_001406763.1, NM_001406765.1); c.2122G>C, p.Val708Leu (NM_001406766.1, NM_001406767.1, NM_001406770.1); c.2146G>C, p.Val716Leu (NM_001406768.1); c.2014G>C, p.Val672Leu (NM_001406769.1, NM_001406772.1); c.1972G>C, p.Val658Leu (NM_001406771.1, NM_001406773.1); and 10 more; short protein forms V804L, V550L, V369L, V460L, V462L, V505L, V629L, V759L.
Identifiers: ClinVar variation 38613 (VCV000038613.60), dbSNP rs79658334, ClinGen allele CA008758.